The following is an entry in ClinVar:

ClinVar aggregate classification (germline): Uncertain significance (1 of 4 stars; one submission).

Conditions:
Immunodeficiency. Identifiers: MedGen C0021051, MONDO:0021094, HP:0002721.

Allele frequency attached by ClinVar (database versions not stated): gnomAD exomes below 0.00001; TOPMed 0.00001.
gnomAD v4.1: 27 of 1,613,606 alleles (0.0017%); highest among the groups gnomAD compares: South Asian, 0.0033%; no homozygotes.

Submission:

Labcorp Genetics (formerly Invitae), Labcorp
Classification: Uncertain significance for Immunodeficiency. Last evaluated: 2025-07-01. Review status: criteria provided, single submitter. Criteria: Invitae Variant Classification Sherloc (09022015). Collection method: clinical testing. Allele origin: germline.
Comment: This sequence change replaces arginine, which is basic and polar, with glutamine, which is neutral and polar, at codon 139 of the NFAT5 protein (p.Arg139Gln). This variant is present in population databases (no rsID available, gnomAD 0.003%). This variant has not been reported in the literature in individuals affected with NFAT5-related conditions. ClinVar contains an entry for this variant (Variation ID: 842790). An algorithm developed to predict the effect of missense changes on protein structure and function (PolyPhen-2) suggests that this variant is likely to be tolerated. In summary, the available evidence is currently insufficient to determine the role of this variant in disease. Therefore, it has been classified as a Variant of Uncertain Significance.

NM_138713.4(NFAT5):c.698G>A (p.Arg233Gln)

Gene: NFAT5 (nuclear factor of activated T cells 5; plus strand). Cytogenetic location: 16q22.1.
Variant type: single nucleotide variant.
Coding change: c.698G>A on transcript NM_138713.4 (MANE Select); coding-DNA position 698, G replaced by A.
Protein change: p.Arg233Gln; replaces arginine 233 with glutamine.
Molecular consequence: missense variant. On other transcripts: intron variant (1).
Genome position (GRCh38, 1-based): chr16:69,647,472, G>A. VCF-style: chr16-69647472-G-A. GRCh37 (hg19) VCF-style: chr16-69681375-G-A.
Other names: c.698G>A, p.Arg233Gln (NM_001113178.3); c.644G>A, p.Arg215Gln (NM_006599.4); c.416G>A, p.Arg139Gln (NM_138714.4, NM_173214.3, NM_173215.3); c.140+305G>A (NM_001367709.1); short protein forms R139Q, R233Q, R215Q.
Identifiers: ClinVar variation 842790 (VCV000842790.9), dbSNP rs1163354749, ClinGen allele CA396486526.